The following is an entry in ClinVar:

NM_004187.5(KDM5C):c.3660C>T (p.Leu1220=)

Gene: KDM5C (lysine demethylase 5C; minus strand). Cytogenetic location: Xp11.22.
Variant type: single nucleotide variant.
Coding change: c.3660C>T on transcript NM_004187.5 (MANE Select); coding-DNA position 3660, C replaced by T.
Protein change: p.Leu1220=; no amino-acid change (leucine 1220 retained).
Molecular consequence: synonymous variant. On other transcripts: non-coding transcript variant (3).
Genome position (GRCh38, 1-based): chrX:53,194,517, G>A on the plus strand (C>T on the coding strand, the complement: KDM5C is on the minus strand). VCF-style: chrX-53194517-G-A. GRCh37 (hg19) VCF-style: chrX-53223699-G-A.
Other names: c.3459C>T, p.Leu1153= (NM_001146702.2); c.3657C>T, p.Leu1219= (NM_001282622.3, NM_001353979.2, NM_001353982.2); c.3660C>T, p.Leu1220= (NM_001353978.3, NM_001353981.2, NM_001353984.2).
Identifiers: ClinVar variation 1531822 (VCV001531822.33), dbSNP rs373545419, ClinGen allele CA10419197.

ClinVar aggregate classification (germline): Benign/Likely benign. Review status: criteria provided, multiple submitters, no conflicts (2 of 4 stars). 3 submissions from 3 submitters: Benign (1); Likely benign (2). Last evaluated 2025-06-04.

Conditions:
Spastic paraplegia. Identifiers: MedGen C0037772, HP:0001258.
Inborn genetic diseases. Identifiers: MedGen C0950123, MeSH D030342.

Allele frequency attached by ClinVar (database versions not stated): gnomAD exomes 0.00004 and 0.00008; ExAC 0.00008; ESP Exome Variant Server 0.00009.
gnomAD v4.1: 65 of 1,209,772 alleles (0.0054%); highest among the groups gnomAD compares: Non-Finnish European, 0.0028%; no homozygotes.

Submissions (3):

Labcorp Genetics (formerly Invitae), Labcorp
Classification: Benign for Spastic paraplegia. Last evaluated: 2025-06-04. Review status: criteria provided, single submitter. Criteria: Invitae Variant Classification Sherloc (09022015). Collection method: clinical testing. Allele origin: germline.

CeGaT Center for Human Genetics Tuebingen
Classification: Likely benign. Last evaluated: 2023-04-01. Review status: criteria provided, single submitter. Criteria: CeGaT Center For Human Genetics Tuebingen Variant Classification Criteria Version 2. Collection method: clinical testing. Allele origin: germline. Affected: yes. Observed: 1 variant allele.
Comment: KDM5C: BP4, BP7, BS2

Ambry Genetics
Classification: Likely benign for Inborn genetic diseases. Last evaluated: 2019-01-07. Review status: criteria provided, single submitter. Criteria: Ambry Variant Classification Scheme 2023. Collection method: clinical testing. Allele origin: germline.